The following is an entry in ClinVar:

NM_006440.5(TXNRD2):c.1414G>A (p.Glu472Lys)

Gene: TXNRD2 (thioredoxin reductase 2; minus strand). Cytogenetic location: 22q11.21.
Variant type: single nucleotide variant.
Coding change: c.1414G>A on transcript NM_006440.5 (MANE Select); coding-DNA position 1414, G replaced by A.
Protein change: p.Glu472Lys; replaces glutamic acid 472 with lysine.
Molecular consequence: missense variant. On other transcripts: non-coding transcript variant (1).
Genome position (GRCh38, 1-based): chr22:19,878,121, C>T on the plus strand (G>A on the coding strand, the complement: TXNRD2 is on the minus strand). VCF-style: chr22-19878121-C-T. GRCh37 (hg19) VCF-style: chr22-19865644-C-T.
Other names: c.1411G>A, p.Glu471Lys (NM_001352300.2); c.1324G>A, p.Glu442Lys (NM_001352301.2); c.1126G>A, p.Glu376Lys (NM_001352302.2); short protein forms E376K, E442K, E471K, E472K.
Identifiers: ClinVar variation 641801 (VCV000641801.10), dbSNP rs766076027, ClinGen allele CA10103661.
Genomic context (GRCh38, chr22:19,878,121, plus strand): 5'-CATCGCAGCCTGCATTCCTCGGGACTTACTTGATCCCCAGAGCAAATCCTTGAGTAACTT[C>T]GCCTGCGTTGGGGCCAAGGAAATGCAGGCCCAGCACCAGCTGTGGGGGCTCCCTCAGGCA-3'
Protein context (NP_006431.2, residues 462-482): GLHFLGPNAG[Glu472Lys]VTQGFALGIK

ClinVar aggregate classification (germline): Uncertain significance. Review status: criteria provided, multiple submitters, no conflicts (2 of 4 stars). 2 submissions from 2 submitters: Uncertain significance (2). Last evaluated 2024-02-23.

Conditions:
Primary dilated cardiomyopathy (DCM). Also called: Dilated Cardiomyopathy. Identifiers: Orphanet 217604, MedGen C0007193, MeSH D002311, MONDO:0005021, HP:0001644. Inheritance: Various modes of inheritance.
Cardiovascular phenotype. Identifiers: MedGen CN230736.

Allele frequency attached by ClinVar (database versions not stated): gnomAD 0.00001; gnomAD exomes 0.00001 and 0.00002; ExAC 0.00002; TOPMed 0.00004.
gnomAD v4.1: 22 of 1,613,404 alleles (0.0014%); highest among the groups gnomAD compares: Admixed American, 0.0033%; no homozygotes.

Submissions (2):

Labcorp Genetics (formerly Invitae), Labcorp
Classification: Uncertain significance for Primary dilated cardiomyopathy. Last evaluated: 2024-02-23. Review status: criteria provided, single submitter. Criteria: Invitae Variant Classification Sherloc (09022015). Collection method: clinical testing. Allele origin: germline.
Comment: This sequence change replaces glutamic acid, which is acidic and polar, with lysine, which is basic and polar, at codon 472 of the TXNRD2 protein (p.Glu472Lys). This variant is present in population databases (rs766076027, gnomAD 0.007%). This variant has not been reported in the literature in individuals affected with TXNRD2-related conditions. ClinVar contains an entry for this variant (Variation ID: 641801). Advanced modeling of protein sequence and biophysical properties (such as structural, functional, and spatial information, amino acid conservation, physicochemical variation, residue mobility, and thermodynamic stability) performed at Invitae indicates that this missense variant is expected to disrupt TXNRD2 protein function with a positive predictive value of 80%. In summary, the available evidence is currently insufficient to determine the role of this variant in disease. Therefore, it has been classified as a Variant of Uncertain Significance.

Ambry Genetics
Classification: Uncertain significance for Cardiovascular phenotype. Last evaluated: 2023-08-03. Review status: criteria provided, single submitter. Criteria: Ambry Variant Classification Scheme 2023. Collection method: clinical testing. Allele origin: germline.
Comment: The p.E472K variant (also known as c.1414G>A), located in coding exon 16 of the TXNRD2 gene, results from a G to A substitution at nucleotide position 1414. The glutamic acid at codon 472 is replaced by lysine, an amino acid with similar properties. This amino acid position is highly conserved in available vertebrate species. In addition, this alteration is predicted to be deleterious by in silico analysis. Since supporting evidence is limited at this time, the clinical significance of this alteration remains unclear.